The following is an entry in ClinVar:

NM_001267550.2(TTN):c.59531_59570dup (p.Leu19857delinsPheSerTer)

Genes: TTN (titin; minus strand), TTN-AS1 (TTN antisense RNA 1; plus strand), LOC126806424 (CDK7 strongly-dependent group 2 enhancer GRCh37_chr2:179456337-179457536; plus strand). Cytogenetic location: 2q31.2.
Variant type: Duplication.
Coding change: c.59531_59570dup on transcript NM_001267550.2 (MANE Select); coding-DNA positions 59531 to 59570, 40 bases duplicated.
Protein change: p.Leu19857delinsPheSerTer.
Molecular consequence: nonsense.
Genome position (GRCh38, 1-based): chr2:178,592,435-178,592,474, 40 bases duplicated. GRCh37 (hg19): chr2:179,457,162-179,457,201.
Other names: c.54608_54647dup, p.Leu18216delinsPheSerTer (NM_001256850.1); c.32336_32375dup, p.Leu10792delinsPheSerTer (NM_003319.4); c.51827_51866dup, p.Leu17289delinsPheSerTer (NM_133378.4); c.32711_32750dup, p.Leu10917delinsPheSerTer (NM_133432.3); c.32912_32951dup, p.Leu10984delinsPheSerTer (NM_133437.4).
Identifiers: ClinVar variation 404714 (VCV000404714.12), dbSNP rs1064792914, ClinGen allele CA16610436.
Genomic context (GRCh38, chr2:178,592,434, plus strand): 5'-CTTACCTAATACAAGTACTTTTACTGAGACAGTTTTTGAACCAGCTGGATTCTCCACTGT[T>TAAAGAATAAATTCCACCATCTTCATGGGCAGCATTACGAA]AAAGAATAAATTCCACCATCTTCATGGGCAGCATTACGAATTTCAAGCTTGCTACCAACT-3'

ClinVar aggregate classification (germline): Conflicting classifications of pathogenicity. Review status: criteria provided, conflicting classifications (1 of 4 stars). 3 submissions from 2 submitters: Likely pathogenic (2); Uncertain significance (1). Last evaluated 2022-08-16.

Conditions:
Dilated cardiomyopathy 1G (CMD1G). Identifiers: Orphanet 154, MedGen C1858763, MONDO:0011400, OMIM 604145.
Autosomal recessive limb-girdle muscular dystrophy type 2J (LGMDR10). Also called: MUSCULAR DYSTROPHY, LIMB-GIRDLE, AUTOSOMAL RECESSIVE 10; Limb-girdle muscular dystrophy, type 2J. Identifiers: Orphanet 140922, MedGen C1837342, MONDO:0012127, OMIM 608807.

Submissions (3):

Labcorp Genetics (formerly Invitae), Labcorp
Classification: Likely pathogenic for Dilated cardiomyopathy 1G; Autosomal recessive limb-girdle muscular dystrophy type 2J. Last evaluated: 2022-08-16. Review status: criteria provided, single submitter. Criteria: Invitae Variant Classification Sherloc (09022015). Collection method: clinical testing. Allele origin: germline.
Comment: This sequence change creates a premature translational stop signal (p.Leu19857Phefs*3) in the TTN gene. While this is not anticipated to result in nonsense mediated decay, it is expected to create a truncated TTN protein. This variant is not present in population databases (gnomAD no frequency). This variant has not been reported in the literature in individuals affected with TTN-related conditions. ClinVar contains an entry for this variant (Variation ID: 404714). Algorithms developed to predict the effect of sequence changes on RNA splicing suggest that this variant may create or strengthen a splice site. This variant is located in the A band of TTN (PMID: 25589632). Truncating variants in this region are significantly overrepresented in patients affected with dilated cardiomyopathy (PMID: 25589632). Truncating variants in this region have also been reported in individuals affected with autosomal recessive centronuclear myopathy (PMID: 23975875). In summary, the currently available evidence indicates that the variant is pathogenic, but additional data are needed to prove that conclusively. Therefore, this variant has been classified as Likely Pathogenic.

Labcorp Genetics (formerly Invitae), Labcorp
Classification: Likely pathogenic for Dilated cardiomyopathy 1G. Last evaluated: 2017-05-16. Review status: criteria provided, single submitter. Criteria: Invitae Variant Classification Sherloc (09022015). Collection method: clinical testing. Allele origin: germline.
Comment: This sequence change duplicates 40 nucleotides in exon 301 of the TTN mRNA (c.59531_59570dup), causing a frameshift at codon 19857. This creates a premature translational stop signal (p.Leu19857Phefs*3) and is expected to result in an absent or disrupted protein product. This variant is found in the A-band of this gene. While this particular variant has not been reported in the literature, truncating variants in the A-band of TTN are significantly overrepresented in patients with dilated cardiomyopathy and are considered to be likely pathogenic for the disease (PMID: 25589632). For these reasons, this variant has been classified as Likely Pathogenic.

Stanford Center for Inherited Cardiovascular Disease, Stanford University
Classification: Uncertain significance. Last evaluated: 2017-02-06. Review status: criteria provided, single submitter. Criteria: ACMG Guidelines, 2015. Collection method: provider interpretation. Allele origin: germline.

Literature cited by the submitters: PubMed 25589632 (cited by Labcorp Genetics (formerly Invitae), Labcorp); PubMed 23975875 (cited by Labcorp Genetics (formerly Invitae), Labcorp).